The following is an entry in ClinVar:

ClinVar aggregate classification (germline): Likely benign (3 of 4 stars; one submission).

Conditions:
Open-angle glaucoma. Identifiers: MedGen C0017612, MONDO:0005338, HP:0012108.

Allele frequency attached by ClinVar (database versions not stated): TOPMed 0.00003; 1000 Genomes Project 0.00020; gnomAD exomes 0.00006 and 0.00001; gnomAD 0.00002 and 0.00003; 1000 Genomes Project 30x 0.00016; ExAC 0.00007.
gnomAD v4.1: 21 of 1,614,224 alleles (0.0013%); highest among the groups gnomAD compares: East Asian, 0.042%; no homozygotes.

Submission:

ClinGen Glaucoma Variant Curation Expert Panel
Classification: Likely benign for Open-angle glaucoma. Last evaluated: 2026-01-20. Review status: reviewed by expert panel. Criteria: ClinGen Glaucoma ACMG Specifications V2.0.0 Approved. Collection method: curation. Allele origin: germline. Inheritance: Autosomal dominant inheritance.
Comment: The c.158T>C variant in MYOC is a missense variant predicted to cause substitution of Valine by Alanine at amino acid 53 (p.Val53Ala). The highest minor allele frequency of this variant was in the East Asian genetic ancestry group of gnomAD (v4.1.0) = 0.0004233 (19 alleles out of 44,888), which did not meet the PM2_Supporting allele frequency threshold (≤ 0.0001) or the BS1 allele frequency threshold (≥ 0.001). The REVEL score = 0.369, which was neither above nor below the thresholds for PP3 (≥ 0.644) or BP4 (≤ 0.290), predicting a damaging or benign impact on MYOC function. The Val53Ala protein had similar solubility and secretion levels to wild type myocilin protein in these studies (PMIDs: 35196929, 36267417). The assays met the OddsPath threshold for BS3_Moderate (< 0.23), indicating that this variant did not impact protein function. Although probands for juvenile or primary open angle glaucoma have been identified carrying this variant, PM2_Supporting was not met, therefore PS4 did not apply. In summary, this variant met the criteria to receive a score of -2 and to be classified as likely benign (likely benign classification range -2 to -6, adapted from PMID: 32720330) for juvenile open angle glaucoma based on the ACMG/AMP criteria met, as specified by the ClinGen Glaucoma VCEP (v2.0.0, 5 Dec 2024): BS3_Moderate.

Literature cited by the submitters: PubMed 36267417; PubMed 35196929.

NM_000261.2(MYOC):c.158T>C (p.Val53Ala)

Gene: MYOC (myocilin; minus strand). Cytogenetic location: 1q24.3.
Variant type: single nucleotide variant.
Coding change: c.158T>C on transcript NM_000261.2 (MANE Select); coding-DNA position 158, T replaced by C.
Protein change: p.Val53Ala; replaces valine 53 with alanine.
Molecular consequence: missense variant.
Genome position (GRCh38, 1-based): chr1:171,652,454, A>G on the plus strand (T>C on the coding strand, the complement: MYOC is on the minus strand). VCF-style: chr1-171652454-A-G. GRCh37 (hg19) VCF-style: chr1-171621594-A-G.
Other names: NM_000261.2(MYOC):c.158T>C; p.Val53Ala; short protein forms V53A.
Identifiers: ClinVar variation 631580 (VCV000631580.10), dbSNP rs200208925, ClinGen allele CA1244317.
Genomic context (GRCh38, chr1:171,652,454, plus strand): 5'-TTATGGATGACTGACATGGCCTGGCTCTGCTCTGGGCAGCTGGATTCATTGGGACTGGCC[A>G]CACTGAAGGTATACTGGCATCGGCCACTCTGGTCATTGGCCTTCCTGAGCTGAGCTGTCC-3'
Protein context (NP_000252.1, residues 43-63): QSGRCQYTFS[Val53Ala]ASPNESSCPE